The following is an entry in ClinVar:

ClinVar aggregate classification (germline): Uncertain significance. Review status: criteria provided, multiple submitters, no conflicts (2 of 4 stars). 2 submissions from 2 submitters: Uncertain significance (2). Last evaluated 2025-08-05.

Conditions:
CHAMP1-related disorder. Also called: CHAMP1-related condition.

Submissions (2):

PreventionGenetics, part of Exact Sciences
Classification: Uncertain significance for CHAMP1-related condition. Last evaluated: 2025-08-05. Review status: criteria provided, single submitter. Criteria: ACMG Guidelines, 2015. Collection method: clinical testing. Allele origin: germline.
Comment: The CHAMP1 c.2059G>A variant is predicted to result in the amino acid substitution p.Glu687Lys. To our knowledge, this variant has not been reported in the literature or in a large population database (gnomAD), indicating this variant is rare. At this time, the clinical significance of this variant is uncertain due to the absence of conclusive functional and genetic evidence.

GeneDx
Classification: Uncertain significance. Last evaluated: 2023-10-04. Review status: criteria provided, single submitter. Criteria: GeneDx Variant Classification Process June 2021. Collection method: clinical testing. Allele origin: germline. Affected: yes.
Comment: Not observed at significant frequency in large population cohorts (gnomAD); In silico analysis supports that this missense variant does not alter protein structure/function; Has not been previously published as pathogenic or benign to our knowledge

NM_032436.4(CHAMP1):c.2059G>A (p.Glu687Lys)

Gene: CHAMP1 (chromosome alignment maintaining phosphoprotein 1; plus strand). Cytogenetic location: 13q34.
Variant type: single nucleotide variant.
Coding change: c.2059G>A on transcript NM_032436.4 (MANE Select); coding-DNA position 2059, G replaced by A.
Protein change: p.Glu687Lys; replaces glutamic acid 687 with lysine.
Molecular consequence: missense variant.
Genome position (GRCh38, 1-based): chr13:114,325,901, G>A. VCF-style: chr13-114325901-G-A. GRCh37 (hg19) VCF-style: chr13-115091376-G-A.
Other names: c.2059G>A, p.Glu687Lys (NM_001164144.3, NM_001164145.3); c.2059G>A (NM_001164144.1); short protein forms E687K.
Identifiers: ClinVar variation 2636958 (VCV002636958.3), dbSNP rs2503204722, ClinGen allele CA388850293.
Genomic context (GRCh38, chr13:114,325,901, plus strand): 5'-AAAGAGAACAAAATGGACATGACTAGTCCAGAGCAGTCTAGAAATGTGCTACAGTTTACT[G>A]AAGAAAAAGAAGCTTTTATCTCTGAAGAGGAGATTGCAAAATACATGAAGCGTGGAAAAG-3'
Protein context (NP_115812.1, residues 677-697): EQSRNVLQFT[Glu687Lys]EKEAFISEEE